The following is an entry in ClinVar:

NM_177972.3(TUB):c.485C>T (p.Ala162Val)

Genes: RIC3 (RIC3 acetylcholine receptor chaperone; minus strand), TUB (TUB bipartite transcription factor; plus strand). Cytogenetic location: 11p15.4.
Variant type: single nucleotide variant.
Coding change: c.485C>T on transcript NM_177972.3 (MANE Select); coding-DNA position 485, C replaced by T.
Protein change: p.Ala162Val; replaces alanine 162 with valine.
Molecular consequence: missense variant.
Genome position (GRCh38, 1-based): chr11:8,095,585, C>T. VCF-style: chr11-8095585-C-T. GRCh37 (hg19) VCF-style: chr11-8117132-C-T.
Other names: c.650C>T, p.Ala217Val (NM_003320.5); short protein forms A162V, A217V.
Identifiers: ClinVar variation 849107 (VCV000849107.10), dbSNP rs1246320539, ClinGen allele CA379566299.
Genomic context (GRCh38, chr11:8,095,585, plus strand): 5'-AAGACAAGTCTGAGGCCCAAGGCCCAGTGCAGATTCTGACTGTGGGCCAGTCAGACCACG[C>T]CCAGGACGCAGGGGAGACGGCAGCTGGTGGGGGCGAACGGCCCAGCGGGCAGGATCTCCG-3'
Protein context (NP_813977.1, residues 152-172): QILTVGQSDH[Ala162Val]QDAGETAAGG

ClinVar aggregate classification (germline): Uncertain significance. Review status: criteria provided, multiple submitters, no conflicts (2 of 4 stars). 2 submissions from 2 submitters: Uncertain significance (2). Last evaluated 2024-11-20.

Conditions:
TUB-related disorder. Also called: TUB-related condition.

Allele frequency attached by ClinVar (database versions not stated): gnomAD exomes below 0.00001; gnomAD 0.00001 and 0.00002; TOPMed 0.00001.
gnomAD v4.1: 3 of 1,612,972 alleles (0.00019%); highest among the groups gnomAD compares: African/African-American, 0.004%; no homozygotes.

Submissions (2):

PreventionGenetics, part of Exact Sciences
Classification: Uncertain significance for TUB-related condition. Last evaluated: 2024-11-20. Review status: criteria provided, single submitter. Criteria: ACMG Guidelines, 2015. Collection method: clinical testing. Allele origin: germline.
Comment: The TUB c.650C>T variant is predicted to result in the amino acid substitution p.Ala217Val. To our knowledge, this variant has not been reported in the literature or in a large population database (gnomAD), indicating this variant is rare. At this time, the clinical significance of this variant is uncertain due to the absence of conclusive functional and genetic evidence.

Labcorp Genetics (formerly Invitae), Labcorp
Classification: Uncertain significance. Last evaluated: 2022-08-16. Review status: criteria provided, single submitter. Criteria: Invitae Variant Classification Sherloc (09022015). Collection method: clinical testing. Allele origin: germline.
Comment: In summary, the available evidence is currently insufficient to determine the role of this variant in disease. Therefore, it has been classified as a Variant of Uncertain Significance. Algorithms developed to predict the effect of missense changes on protein structure and function (SIFT, PolyPhen-2, Align-GVGD) all suggest that this variant is likely to be tolerated. ClinVar contains an entry for this variant (Variation ID: 849107). This variant has not been reported in the literature in individuals affected with TUB-related conditions. This variant is not present in population databases (gnomAD no frequency). This sequence change replaces alanine, which is neutral and non-polar, with valine, which is neutral and non-polar, at codon 217 of the TUB protein (p.Ala217Val).